The following is an entry in ClinVar:

ClinVar aggregate classification (germline): Pathogenic (1 of 4 stars; one submission).

Conditions:
Ehlers-Danlos syndrome, classic type, 1 (EDSCL1). Also called: EHLERS-DANLOS SYNDROME, GRAVIS TYPE; EHLERS-DANLOS SYNDROME, SEVERE CLASSIC TYPE; Ehlers-Danlos syndrome, type 1; Ehlers-Danlos Syndrome, Classic Type, COL5A1-Related; EDS I. Identifiers: MedGen C0268335, MONDO:0019567, OMIM 130000.

Submission:

Labcorp Genetics (formerly Invitae), Labcorp
Classification: Pathogenic for Ehlers-Danlos syndrome, classic type, 1. Last evaluated: 2021-02-22. Review status: criteria provided, single submitter. Criteria: Invitae Variant Classification Sherloc (09022015). Collection method: clinical testing. Allele origin: germline.
Comment: This sequence change creates a premature translational stop signal (p.Met1464Trpfs*24) in the COL5A1 gene. It is expected to result in an absent or disrupted protein product. Loss-of-function variants in COL5A1 are known to be pathogenic (PMID: 23587214). This variant is not present in population databases (ExAC no frequency). This variant has not been reported in the literature in individuals with COL5A1-related conditions. For these reasons, this variant has been classified as Pathogenic.

Literature cited by the submitters: PubMed 23587214.

NM_000093.5(COL5A1):c.4389del (p.Met1464fs)

Gene: COL5A1 (collagen type V alpha 1 chain; plus strand). Cytogenetic location: 9q34.3.
Variant type: Deletion.
Coding change: c.4389del on transcript NM_000093.5 (MANE Select); coding-DNA position 4389, one base deleted (C; older notation c.4389delC).
Protein change: p.Met1464fs; shifts the reading frame from methionine 1464.
Molecular consequence: frameshift variant.
Genome position (GRCh38, 1-based): chr9:134,818,898, C deleted; the last of 4 consecutive C bases (chr9:134,818,895-134,818,898); deleting any one gives the same sequence. VCF-style (leftmost placement, unchanged base first): chr9-134818894-GC-G. GRCh37 (hg19) VCF-style: chr9-137710740-GC-G.
Other names: c.4389del, p.Met1464fs (NM_001278074.1); short protein forms M1464fs.
Identifiers: ClinVar variation 1457820 (VCV001457820.6), dbSNP rs2132864849, ClinGen allele CA2573144144.